The following is an entry in ClinVar:

ClinVar aggregate classification (germline): Uncertain significance (1 of 4 stars; one submission).

Conditions:
Hereditary cancer-predisposing syndrome. Also called: Neoplastic Syndromes, Hereditary; Tumor predisposition; Hereditary Cancer Syndrome; Hereditary neoplastic syndrome. Identifiers: Orphanet 140162, MedGen C0027672, MeSH D009386, MONDO:0015356.

Submission:

Color Diagnostics, LLC DBA Color Health
Classification: Uncertain significance for Hereditary cancer-predisposing syndrome. Last evaluated: 2023-12-05. Review status: criteria provided, single submitter. Criteria: ACMG Guidelines, 2015. Collection method: clinical testing. Allele origin: germline.
Comment: This missense variant replaces glutamine with histidine at codon 1237 of the APC protein. Computational prediction suggests that this variant may not impact protein structure and function (internally defined REVEL score threshold <= 0.5, PMID: 27666373). To our knowledge, functional studies have not been reported for this variant. This variant has not been reported in individuals affected with APC-related disorders in the literature. This variant has not been identified in the general population by the Genome Aggregation Database (gnomAD). The available evidence is insufficient to determine the role of this variant in disease conclusively. Therefore, this variant is classified as a Variant of Uncertain Significance.

NM_000038.6(APC):c.3711G>T (p.Gln1237His)

Gene: APC (APC regulator of Wnt signaling pathway; plus strand). Cytogenetic location: 5q22.2.
Variant type: single nucleotide variant.
Coding change: c.3711G>T on transcript NM_000038.6 (MANE Select); coding-DNA position 3711, G replaced by T.
Protein change: p.Gln1237His; replaces glutamine 1237 with histidine.
Molecular consequence: missense variant.
Genome position (GRCh38, 1-based): chr5:112,839,305, G>T. VCF-style: chr5-112839305-G-T. GRCh37 (hg19) VCF-style: chr5-112175002-G-T.
Other names: c.3711G>T, p.Gln1237His (NM_001127510.3, NM_001354895.2); c.3657G>T, p.Gln1219His (NM_001127511.3); c.3765G>T, p.Gln1255His (NM_001354896.2); c.3741G>T, p.Gln1247His (NM_001354897.2); c.3636G>T, p.Gln1212His (NM_001354898.2); c.3627G>T, p.Gln1209His (NM_001354899.2); c.3588G>T, p.Gln1196His (NM_001354900.2); c.3534G>T, p.Gln1178His (NM_001354901.2); and 5 more; short protein forms Q1146H, Q1136H, Q1196H, Q1209H, Q1212H, Q1237H, Q1255H, Q954H.
Identifiers: ClinVar variation 924181 (VCV000924181.4), dbSNP rs756939805, ClinGen allele CA16029476.